The following is an entry in ClinVar:

ClinVar aggregate classification (germline): Pathogenic (1 of 4 stars; one submission).

Conditions:
Combined oxidative phosphorylation defect type 7. Identifiers: Orphanet 254930, MedGen C3150801, MONDO:0013306, OMIM 613559.
Spastic paraplegia. Identifiers: MedGen C0037772, HP:0001258.

Submission:

Labcorp Genetics (formerly Invitae), Labcorp
Classification: Pathogenic for Combined oxidative phosphorylation defect type 7; Spastic paraplegia. Last evaluated: 2021-01-11. Review status: criteria provided, single submitter. Criteria: Invitae Variant Classification Sherloc (09022015). Collection method: clinical testing. Allele origin: germline.
Comment: For these reasons, this variant has been classified as Pathogenic. This variant disrupts the C-terminus of the C12orf65 protein. Other variant(s) that disrupt this region (p.Lys138Argfs*17) have been determined to be pathogenic (PMID: 24424123). This suggests that variants that disrupt this region of the protein are likely to be causative of disease. Algorithms developed to predict the effect of sequence changes on RNA splicing suggest that this variant may create or strengthen a splice site, but this prediction has not been confirmed by published transcriptional studies. This variant has not been reported in the literature in individuals with C12orf65-related conditions. This variant is not present in population databases (ExAC no frequency). This sequence change creates a premature translational stop signal (p.Lys137*) in the C12orf65 gene. While this is not anticipated to result in nonsense mediated decay, it is expected to disrupt the last 30 amino acid(s) of the C12orf65 protein.

Literature cited by the submitters: PubMed 24424123.

NM_152269.5(MTRFR):c.409A>T (p.Lys137Ter)

Gene: MTRFR (mitochondrial translation release factor in rescue; plus strand). Cytogenetic location: 12q24.31.
Variant type: single nucleotide variant.
Coding change: c.409A>T on transcript NM_152269.5 (MANE Select); coding-DNA position 409, A replaced by T.
Protein change: p.Lys137Ter; replaces lysine 137 with a stop codon.
Molecular consequence: nonsense.
Genome position (GRCh38, 1-based): chr12:123,256,939, A>T. VCF-style: chr12-123256939-A-T. GRCh37 (hg19) VCF-style: chr12-123741486-A-T.
Other names: c.409A>T, p.Lys137Ter (NM_001143905.2, NM_001194995.1); short protein forms K137*.
Identifiers: ClinVar variation 1681663 (VCV001681663.8), dbSNP rs2138800520, ClinGen allele CA387119186.
Genomic context (GRCh38, chr12:123,256,939, plus strand): 5'-GATGTTTTCTACAATGGTGAAAACAGTCCTGTTCACAAAGAAAAACGAGAAGCGGCGAAG[A>T]AAAAACAAGAAAGGAAAAAAAGAGCAAAGGAAACCCTGGAAAAAAAGAAGCTACTTAAAG-3'